The following is an entry in ClinVar:

ClinVar aggregate classification (germline): Uncertain significance (1 of 4 stars; one submission).

Conditions:
Muscular dystrophy-dystroglycanopathy (congenital with brain and eye anomalies), type A2. Also called: MUSCULAR DYSTROPHY-DYSTROGLYCANOPATHY (CONGENITAL WITH BRAIN AND EYE ANOMALIES), TYPE A, 2; WALKER-WARBURG SYNDROME OR MUSCLE-EYE-BRAIN DISEASE, POMT2-RELATED. Identifiers: Orphanet 588, Orphanet 899, MedGen C3150411, MONDO:0013154, OMIM 613150.
Autosomal recessive limb-girdle muscular dystrophy type 2N. Also called: MUSCULAR DYSTROPHY-DYSTROGLYCANOPATHY, LIMB-GIRDLE, POMT2-RELATED; Muscular dystrophy-dystroglycanopathy (limb-girdle), type C, 2. Identifiers: Orphanet 206559, MedGen C3150418, MONDO:0013162, OMIM 613158.
Muscular dystrophy-dystroglycanopathy (congenital with impaired intellectual development), type B, 2. Also called: MUSCULAR DYSTROPHY, CONGENITAL, POMT2-RELATED; Muscular dystrophy-dystroglycanopathy (congenital with intellectual disability), type B2. Identifiers: MedGen C3150416, MONDO:0013160, OMIM 613156.

gnomAD v4.1: 4 of 1,613,832 alleles (0.00025%); highest among the groups gnomAD compares: Admixed American, 0.0017%; no homozygotes.

Submission:

Labcorp Genetics (formerly Invitae), Labcorp
Classification: Uncertain significance for Muscular dystrophy-dystroglycanopathy (congenital with impaired intellectual development), type B, 2; Muscular dystrophy-dystroglycanopathy (congenital with brain and eye anomalies), type A2; Autosomal recessive limb-girdle muscular dystrophy type 2N. Last evaluated: 2022-02-04. Review status: criteria provided, single submitter. Criteria: Invitae Variant Classification Sherloc (09022015). Collection method: clinical testing. Allele origin: germline.
Comment: This sequence change replaces tyrosine, which is neutral and polar, with serine, which is neutral and polar, at codon 574 of the POMT2 protein (p.Tyr574Ser). This variant is not present in population databases (gnomAD no frequency). This variant has not been reported in the literature in individuals affected with POMT2-related conditions. Algorithms developed to predict the effect of missense changes on protein structure and function are either unavailable or do not agree on the potential impact of this missense change (SIFT: "Deleterious"; PolyPhen-2: "Possibly Damaging"; Align-GVGD: "Class C15"). In summary, the available evidence is currently insufficient to determine the role of this variant in disease. Therefore, it has been classified as a Variant of Uncertain Significance.

NM_013382.7(POMT2):c.1721A>C (p.Tyr574Ser)

Gene: POMT2 (protein O-mannosyltransferase 2; minus strand). Cytogenetic location: 14q24.3.
Variant type: single nucleotide variant.
Coding change: c.1721A>C on transcript NM_013382.7 (MANE Select); coding-DNA position 1721, A replaced by C.
Protein change: p.Tyr574Ser; replaces tyrosine 574 with serine.
Molecular consequence: missense variant.
Genome position (GRCh38, 1-based): chr14:77,280,396, T>G on the plus strand (A>C on the coding strand, the complement: POMT2 is on the minus strand). VCF-style: chr14-77280396-T-G. GRCh37 (hg19) VCF-style: chr14-77746739-T-G.
Other names: short protein forms Y574S.
Identifiers: ClinVar variation 1428440 (VCV001428440.5), dbSNP rs142870987, ClinGen allele CA390515304.